The following is an entry in ClinVar:

NM_000553.6(WRN):c.94A>G (p.Lys32Glu)

Gene: WRN (WRN RecQ like helicase; plus strand). Cytogenetic location: 8p12.
Variant type: single nucleotide variant.
Coding change: c.94A>G on transcript NM_000553.6 (MANE Select); coding-DNA position 94, A replaced by G.
Protein change: p.Lys32Glu; replaces lysine 32 with glutamic acid.
Molecular consequence: missense variant.
Genome position (GRCh38, 1-based): chr8:31,058,541, A>G. VCF-style: chr8-31058541-A-G. GRCh37 (hg19) VCF-style: chr8-30916057-A-G.
Other names: short protein forms K32E.
Identifiers: ClinVar variation 2851125 (VCV002851125.3), dbSNP rs2487266647, ClinGen allele CA370912294.

ClinVar aggregate classification (germline): Uncertain significance (1 of 4 stars; one submission).

Conditions:
Werner syndrome (WRN). Identifiers: Orphanet 902, MedGen C0043119, MONDO:0010196, OMIM 277700.

Allele frequency attached by ClinVar (database versions not stated): gnomAD exomes below 0.00001.
gnomAD v4.1: 1 of 1,613,570 alleles (0.000062%); highest among the groups gnomAD compares: Non-Finnish European, 0.000085%; no homozygotes.

Submission:

Labcorp Genetics (formerly Invitae), Labcorp
Classification: Uncertain significance for Werner syndrome. Last evaluated: 2023-03-31. Review status: criteria provided, single submitter. Criteria: Invitae Variant Classification Sherloc (09022015). Collection method: clinical testing. Allele origin: germline.
Comment: This sequence change replaces lysine, which is basic and polar, with glutamic acid, which is acidic and polar, at codon 32 of the WRN protein (p.Lys32Glu). This variant is not present in population databases (gnomAD no frequency). This variant has not been reported in the literature in individuals affected with WRN-related conditions. An algorithm developed to predict the effect of missense changes on protein structure and function (PolyPhen-2) suggests that this variant is likely to be tolerated. In summary, the available evidence is currently insufficient to determine the role of this variant in disease. Therefore, it has been classified as a Variant of Uncertain Significance.